The following is an entry in ClinVar:

NM_002979.5(SCP2):c.1366G>A (p.Gly456Ser)

Gene: SCP2 (sterol carrier protein 2; plus strand). Cytogenetic location: 1p32.3.
Variant type: single nucleotide variant.
Coding change: c.1366G>A on transcript NM_002979.5 (MANE Select); coding-DNA position 1366, G replaced by A.
Protein change: p.Gly456Ser; replaces glycine 456 with serine.
Molecular consequence: missense variant. On other transcripts: intron variant (1).
Genome position (GRCh38, 1-based): chr1:53,038,944, G>A. VCF-style: chr1-53038944-G-A. GRCh37 (hg19) VCF-style: chr1-53504616-G-A.
Other names: c.154G>A, p.Gly52Ser (NM_001007099.3); c.145G>A, p.Gly49Ser (NM_001007100.3); c.1294G>A, p.Gly432Ser (NM_001193599.2); c.1234G>A, p.Gly412Ser (NM_001193600.2); c.1123G>A, p.Gly375Ser (NM_001193617.2); c.127-8914G>A (NM_001007250.3); short protein forms G412S, G456S, G375S, G49S, G432S, G52S.
Identifiers: ClinVar variation 1906777 (VCV001906777.5), dbSNP rs779243900, ClinGen allele CA857401.

ClinVar aggregate classification (germline): Uncertain significance (1 of 4 stars; one submission).

Allele frequency attached by ClinVar (database versions not stated): ExAC 0.00001; gnomAD 0.00001; TOPMed 0.00001.
gnomAD v4.1: 12 of 1,613,944 alleles (0.00074%); highest among the groups gnomAD compares: Admixed American, 0.005%; no homozygotes.

Submission:

Labcorp Genetics (formerly Invitae), Labcorp
Classification: Uncertain significance. Last evaluated: 2024-02-11. Review status: criteria provided, single submitter. Criteria: Invitae Variant Classification Sherloc (09022015). Collection method: clinical testing. Allele origin: germline.
Comment: This sequence change replaces glycine, which is neutral and non-polar, with serine, which is neutral and polar, at codon 456 of the SCP2 protein (p.Gly456Ser). This variant is present in population databases (rs779243900, gnomAD 0.006%). This variant has not been reported in the literature in individuals affected with SCP2-related conditions. ClinVar contains an entry for this variant (Variation ID: 1906777). An algorithm developed to predict the effect of missense changes on protein structure and function (PolyPhen-2) suggests that this variant is likely to be disruptive. In summary, the available evidence is currently insufficient to determine the role of this variant in disease. Therefore, it has been classified as a Variant of Uncertain Significance.